The following is an entry in ClinVar:

ClinVar aggregate classification (germline): Uncertain significance. Review status: criteria provided, multiple submitters, no conflicts (2 of 4 stars). 2 submissions from 2 submitters: Uncertain significance (2). Last evaluated 2022-08-13.

Conditions:
Neuromuscular disease caused by qualitative or quantitative defects of dysferlin. Also called: Qualitative or quantitative defects of dysferlin; Dysferlinopathy. Identifiers: Orphanet 207073, MedGen C2931687, MONDO:0016145.

Allele frequency attached by ClinVar (database versions not stated): gnomAD 0.00005 and 0.00006; gnomAD exomes 0.00002; ExAC 0.00004; ESP Exome Variant Server 0.00008.
gnomAD v4.1: 25 of 1,613,614 alleles (0.0015%); highest among the groups gnomAD compares: African/African-American, 0.012%; no homozygotes.

Submissions (2):

Labcorp Genetics (formerly Invitae), Labcorp
Classification: Uncertain significance for Neuromuscular disease caused by qualitative or quantitative defects of dysferlin. Last evaluated: 2022-08-13. Review status: criteria provided, single submitter. Criteria: Invitae Variant Classification Sherloc (09022015). Collection method: clinical testing. Allele origin: germline.
Comment: This sequence change replaces asparagine, which is neutral and polar, with serine, which is neutral and polar, at codon 1802 of the DYSF protein (p.Asn1802Ser). This variant is present in population databases (rs372204057, gnomAD 0.006%). This variant has not been reported in the literature in individuals affected with DYSF-related conditions. ClinVar contains an entry for this variant (Variation ID: 1345502). Advanced modeling of protein sequence and biophysical properties (such as structural, functional, and spatial information, amino acid conservation, physicochemical variation, residue mobility, and thermodynamic stability) performed at Invitae indicates that this missense variant is not expected to disrupt DYSF protein function. Algorithms developed to predict the effect of sequence changes on RNA splicing suggest that this variant may create or strengthen a splice site. In summary, the available evidence is currently insufficient to determine the role of this variant in disease. Therefore, it has been classified as a Variant of Uncertain Significance.

Revvity Omics, Revvity
Classification: Uncertain significance. Last evaluated: 2019-12-16. Review status: criteria provided, single submitter. Criteria: ACMG Guidelines, 2015. Collection method: clinical testing. Allele origin: germline.

NM_001130987.2(DYSF):c.5522A>G (p.Asn1841Ser)

Gene: DYSF (dysferlin; plus strand). Cytogenetic location: 2p13.2.
Variant type: single nucleotide variant.
Coding change: c.5522A>G on transcript NM_001130987.2 (MANE Select); coding-DNA position 5522, A replaced by G.
Protein change: p.Asn1841Ser; replaces asparagine 1841 with serine.
Molecular consequence: missense variant.
Genome position (GRCh38, 1-based): chr2:71,668,818, A>G. VCF-style: chr2-71668818-A-G. GRCh37 (hg19) VCF-style: chr2-71895948-A-G.
Other names: c.5408A>G, p.Asn1803Ser (NM_001130455.2); c.5363A>G, p.Asn1788Ser (NM_001130976.2); c.5426A>G, p.Asn1809Ser (NM_001130977.2); c.5468A>G, p.Asn1823Ser (NM_001130978.2); c.5498A>G, p.Asn1833Ser (NM_001130979.2); c.5456A>G, p.Asn1819Ser (NM_001130980.2); c.5519A>G, p.Asn1840Ser (NM_001130981.2); c.5501A>G, p.Asn1834Ser (NM_001130982.2); and 5 more; short protein forms N1789S, N1802S, N1803S, N1841S, N1809S, N1840S, N1788S, N1819S.
Identifiers: ClinVar variation 1345502 (VCV001345502.5), dbSNP rs372204057, ClinGen allele CA1707408.